The following is an entry in ClinVar:

ClinVar aggregate classification (germline): Conflicting classifications of pathogenicity. Review status: criteria provided, conflicting classifications (1 of 4 stars). 2 submissions from 2 submitters: Uncertain significance (1); Likely benign (1). Last evaluated 2025-10-27.

Conditions:
Catecholaminergic polymorphic ventricular tachycardia 1. Also called: VENTRICULAR TACHYCARDIA, CATECHOLAMINERGIC POLYMORPHIC, 1, WITH OR WITHOUT ATRIAL DYSFUNCTION AND/OR DILATED CARDIOMYOPATHY; RYR2-Related Catecholaminergic Polymorphic Ventricular Tachycardia; VENTRICULAR TACHYCARDIA, STRESS-INDUCED POLYMORPHIC 1. Identifiers: Orphanet 3286, MedGen C1631597, MONDO:0011484, OMIM 604772.
Cardiovascular phenotype. Identifiers: MedGen CN230736.

Allele frequency attached by ClinVar (database versions not stated): gnomAD exomes below 0.00001; gnomAD 0.00001; TOPMed 0.00001.
gnomAD v4.1: 2 of 1,613,782 alleles (0.00012%); highest among the groups gnomAD compares: African/African-American, 0.0027%; no homozygotes.

Submissions (2):

Labcorp Genetics (formerly Invitae), Labcorp
Classification: Likely benign for Catecholaminergic polymorphic ventricular tachycardia 1. Last evaluated: 2025-10-27. Review status: criteria provided, single submitter. Criteria: Invitae Variant Classification Sherloc (09022015). Collection method: clinical testing. Allele origin: germline.

Ambry Genetics
Classification: Uncertain significance for Cardiovascular phenotype. Last evaluated: 2023-01-05. Review status: criteria provided, single submitter. Criteria: Ambry Variant Classification Scheme 2023. Collection method: clinical testing. Allele origin: germline.
Comment: The p.E87D variant (also known as c.261G>T), located in coding exon 3 of the RYR2 gene, results from a G to T substitution at nucleotide position 261. The glutamic acid at codon 87 is replaced by aspartic acid, an amino acid with highly similar properties. This amino acid position is well conserved in available vertebrate species; however, aspartic acid is the reference amino acid in other vertebrate species. In addition, the in silico prediction for this alteration is inconclusive. Since supporting evidence is limited at this time, the clinical significance of this alteration remains unclear.

NM_001035.3(RYR2):c.261G>T (p.Glu87Asp)

Gene: RYR2 (ryanodine receptor 2; plus strand). Cytogenetic location: 1q43.
Variant type: single nucleotide variant.
Coding change: c.261G>T on transcript NM_001035.3 (MANE Select); coding-DNA position 261, G replaced by T.
Protein change: p.Glu87Asp; replaces glutamic acid 87 with aspartic acid.
Molecular consequence: missense variant.
Genome position (GRCh38, 1-based): chr1:237,330,970, G>T. VCF-style: chr1-237330970-G-T. GRCh37 (hg19) VCF-style: chr1-237494270-G-T.
Other names: short protein forms E87D.
Identifiers: ClinVar variation 1793930 (VCV001793930.5), dbSNP rs1408696693, ClinGen allele CA345654724.